The following is an entry in ClinVar:

NM_003924.4(PHOX2B):c.496G>A (p.Ala166Thr)

Gene: PHOX2B (paired like homeobox 2B; minus strand). Cytogenetic location: 4p13.
Variant type: single nucleotide variant.
Coding change: c.496G>A on transcript NM_003924.4 (MANE Select); coding-DNA position 496, G replaced by A.
Protein change: p.Ala166Thr; replaces alanine 166 with threonine.
Molecular consequence: missense variant.
Genome position (GRCh38, 1-based): chr4:41,746,256, C>T on the plus strand (G>A on the coding strand, the complement: PHOX2B is on the minus strand). VCF-style: chr4-41746256-C-T. GRCh37 (hg19) VCF-style: chr4-41748273-C-T.
Other names: short protein forms A166T.
Identifiers: ClinVar variation 1744455 (VCV001744455.2), dbSNP rs1733897215, ClinGen allele CA356738533.

ClinVar aggregate classification (germline): Uncertain significance (1 of 4 stars; one submission).

Conditions:
Hereditary cancer-predisposing syndrome. Also called: Hereditary Cancer Syndrome; Neoplastic Syndromes, Hereditary; Tumor predisposition; Hereditary neoplastic syndrome. Identifiers: Orphanet 140162, MedGen C0027672, MeSH D009386, MONDO:0015356.

Allele frequency attached by ClinVar (database versions not stated): gnomAD exomes below 0.00001; TOPMed below 0.00001.

Submission:

Ambry Genetics
Classification: Uncertain significance for Hereditary cancer-predisposing syndrome. Last evaluated: 2019-11-05. Review status: criteria provided, single submitter. Criteria: Ambry Variant Classification Scheme 2023. Collection method: clinical testing. Allele origin: germline.
Comment: The p.A166T variant (also known as c.496G>A), located in coding exon 3 of the PHOX2B gene, results from a G to A substitution at nucleotide position 496. The alanine at codon 166 is replaced by threonine, an amino acid with similar properties. In addition, this alteration is predicted to be tolerated by in silico analysis. Since supporting evidence is limited at this time, the clinical significance of this alteration remains unclear.